The following is an entry in ClinVar:

ClinVar aggregate classification (germline): Uncertain significance (1 of 4 stars; one submission).

Allele frequency attached by ClinVar (database versions not stated): gnomAD exomes 0.00001; gnomAD 0.00005; TOPMed 0.00005.
gnomAD v4.1: 13 of 1,614,066 alleles (0.00081%); highest among the groups gnomAD compares: Admixed American, 0.022%; no homozygotes.

Submission:

GeneDx
Classification: Uncertain significance. Last evaluated: 2023-02-17. Review status: criteria provided, single submitter. Criteria: GeneDx Variant Classification Process June 2021. Collection method: clinical testing. Allele origin: germline. Affected: yes.
Comment: Nonsense variant predicted to result in protein truncation or nonsense mediated decay in a gene for which loss of function is a known mechanism of disease; Has not been previously published as pathogenic or benign to our knowledge

NM_182548.4(LHFPL5):c.490C>T (p.Gln164Ter)

Gene: LHFPL5 (LHFPL tetraspan subfamily member 5; plus strand). Cytogenetic location: 6p21.31.
Variant type: single nucleotide variant.
Coding change: c.490C>T on transcript NM_182548.4 (MANE Select); coding-DNA position 490, C replaced by T.
Protein change: p.Gln164Ter; replaces glutamine 164 with a stop codon.
Molecular consequence: nonsense.
Genome position (GRCh38, 1-based): chr6:35,814,623, C>T. VCF-style: chr6-35814623-C-T. GRCh37 (hg19) VCF-style: chr6-35782400-C-T.
Other names: short protein forms Q164*.
Identifiers: ClinVar variation 2577744 (VCV002577744.1), dbSNP rs1316624915, ClinGen allele CA363785874.